The following is an entry in ClinVar:

NC_000017.10:g.(?_73754127)_(73761239_?)del

Gene: GALK1 (galactokinase 1; minus strand). Cytogenetic location: 17q25.1.
Variant type: Deletion.
Identifiers: ClinVar variation 1457164 (VCV001457164.5).

ClinVar aggregate classification (germline): Pathogenic (1 of 4 stars; one submission).

Conditions:
Deficiency of galactokinase. Also called: Galactokinase deficiency with cataracts; GALACTOSEMIA II. Identifiers: Orphanet 352, Orphanet 79237, MedGen C0268155, MONDO:0009255, OMIM 230200.

Submission:

Labcorp Genetics (formerly Invitae), Labcorp
Classification: Pathogenic for Deficiency of galactokinase. Last evaluated: 2020-10-26. Review status: criteria provided, single submitter. Criteria: Invitae Variant Classification Sherloc (09022015). Collection method: clinical testing. Allele origin: germline.
Comment: A gross deletion of the genomic region encompassing the full coding sequence of the GALK1 gene has been identified. Loss-of-function variants in GALK1 are known to be pathogenic (PMID: 7670469, 10790206). The boundaries of this event are unknown as they extend beyond the assayed region for this gene and therefore may encompass additional genes. This variant has not been reported in the literature in individuals with GALK1-related conditions. For these reasons, this variant has been classified as Pathogenic.

Literature cited by the submitters: PubMed 7670469; PubMed 10790206.